The following is an entry in ClinVar:

ClinVar aggregate classification (germline): Likely benign (1 of 4 stars; one submission).

gnomAD v4.1: 5 of 1,612,512 alleles (0.00031%); highest among the groups gnomAD compares: Non-Finnish European, 0.00042%; no homozygotes.

Submission:

CeGaT Center for Human Genetics Tuebingen
Classification: Likely benign. Last evaluated: 2026-08-01. Review status: criteria provided, single submitter. Criteria: CeGaT Center For Human Genetics Tuebingen Variant Classification Criteria Version 2. Collection method: clinical testing. Allele origin: germline. Affected: yes. Observed: 1 variant allele.
Comment: ANKRD28: BP4, BP7

NM_001349278.2(ANKRD28):c.2667T>A (p.Pro889=)

Genes: ANKRD28 (ankyrin repeat domain 28; minus strand), BTD (biotinidase; plus strand). Cytogenetic location: 3p25.1.
Variant type: single nucleotide variant.
Coding change: c.2667T>A on transcript NM_001349278.2 (MANE Select); coding-DNA position 2667, T replaced by A.
Protein change: p.Pro889=; no amino-acid change (proline 889 retained).
Molecular consequence: synonymous variant. On other transcripts: intron variant (4), non-coding transcript variant (2).
Genome position (GRCh38, 1-based): chr3:15,678,249, A>T on the plus strand (T>A on the coding strand, the complement: ANKRD28 is on the minus strand). VCF-style: chr3-15678249-A-T. GRCh37 (hg19) VCF-style: chr3-15719756-A-T.
Other names: c.2409T>A, p.Pro803= (NM_001349280.1, NM_001349281.2, NM_001349282.2); c.2115T>A, p.Pro705= (NM_001349283.2, NM_001195098.1, NM_001195099.2); c.2577T>A, p.Pro859= (NM_015199.4); c.1015+33318A>T (NM_001370752.1, NM_001407379.1); c.400-32150A>T (NM_001370753.1); c.400-10062A>T (NM_001407400.1); c.2676T>A, p.Pro892= (NM_001349277.2); c.2568T>A, p.Pro856= (NM_001349279.2).
Identifiers: ClinVar variation 5040377 (VCV005040377.1).